The following is an entry in ClinVar:

NM_001267550.2(TTN):c.106795G>T (p.Ala35599Ser)

Genes: TTN-AS1 (TTN antisense RNA 1; plus strand), TTN (titin; minus strand). Cytogenetic location: 2q31.2.
Variant type: single nucleotide variant.
Coding change: c.106795G>T on transcript NM_001267550.2 (MANE Select); coding-DNA position 106795, G replaced by T.
Protein change: p.Ala35599Ser; replaces alanine 35599 with serine.
Molecular consequence: missense variant.
Genome position (GRCh38, 1-based): chr2:178,528,956, C>A on the plus strand (G>T on the coding strand, the complement: TTN is on the minus strand). VCF-style: chr2-178528956-C-A. GRCh37 (hg19) VCF-style: chr2-179393683-C-A.
Other names: c.101872G>T, p.Ala33958Ser (NM_001256850.1); c.79600G>T, p.Ala26534Ser (NM_003319.4); c.99091G>T, p.Ala33031Ser (NM_133378.4); c.79975G>T, p.Ala26659Ser (NM_133432.3); c.80176G>T, p.Ala26726Ser (NM_133437.4); short protein forms A26534S, A26659S, A26726S, A33031S, A33958S, A35599S.
Identifiers: ClinVar variation 3763421 (VCV003763421.2).

ClinVar aggregate classification (germline): Uncertain significance (1 of 4 stars; one submission).

Conditions:
Autosomal recessive limb-girdle muscular dystrophy type 2J (LGMDR10). Also called: Limb-girdle muscular dystrophy, type 2J; MUSCULAR DYSTROPHY, LIMB-GIRDLE, AUTOSOMAL RECESSIVE 10. Identifiers: Orphanet 140922, MedGen C1837342, MONDO:0012127, OMIM 608807.
Dilated cardiomyopathy 1G (CMD1G). Identifiers: Orphanet 154, MedGen C1858763, MONDO:0011400, OMIM 604145.

gnomAD v4.1: 2 of 1,613,840 alleles (0.00012%); highest among the groups gnomAD compares: Admixed American, 0.0033%; no homozygotes.

Submission:

Labcorp Genetics (formerly Invitae), Labcorp
Classification: Uncertain significance for Dilated cardiomyopathy 1G; Autosomal recessive limb-girdle muscular dystrophy type 2J. Last evaluated: 2024-11-26. Review status: criteria provided, single submitter. Criteria: Invitae Variant Classification Sherloc (09022015). Collection method: clinical testing. Allele origin: germline.
Comment: This sequence change replaces alanine, which is neutral and non-polar, with serine, which is neutral and polar, at codon 35599 of the TTN protein (p.Ala35599Ser). This variant is not present in population databases (gnomAD no frequency). This variant has not been reported in the literature in individuals affected with TTN-related conditions. Experimental studies and prediction algorithms are not available or were not evaluated, and the functional significance of this variant is currently unknown. This variant is located in the M band of TTN (PMID: 25589632). Non-truncating variants in this region may be relevant for neuromuscular disorders, but have not been definitively shown to cause cardiomyopathy (PMID: 23975875). In summary, the available evidence is currently insufficient to determine the role of this variant in disease. Therefore, it has been classified as a Variant of Uncertain Significance.

Literature cited by the submitters: PubMed 25589632; PubMed 23975875.